The following is an entry in ClinVar:

NM_000088.4(COL1A1):c.3487G>A (p.Gly1163Arg)

Gene: COL1A1 (collagen type I alpha 1 chain; minus strand). Cytogenetic location: 17q21.33.
Variant type: single nucleotide variant.
Coding change: c.3487G>A on transcript NM_000088.4 (MANE Select); coding-DNA position 3487, G replaced by A.
Protein change: p.Gly1163Arg; replaces glycine 1163 with arginine.
Molecular consequence: missense variant.
Genome position (GRCh38, 1-based): chr17:50,187,059, C>T on the plus strand (G>A on the coding strand, the complement: COL1A1 is on the minus strand). VCF-style: chr17-50187059-C-T. GRCh37 (hg19) VCF-style: chr17-48264420-C-T.
Other names: short protein forms G1163R.
Identifiers: ClinVar variation 582248 (VCV000582248.10), dbSNP rs1567753329, ClinGen allele CA400198718.

ClinVar aggregate classification (germline): Pathogenic (1 of 4 stars; one submission).

Conditions:
Osteogenesis imperfecta type I (OI1). Also called: Osteogenesis imperfecta type 1; Classic Non-deforming Osteogenesis Imperfecta with Blue Sclerae; Lobstein's Disease; OI, TYPE I; OSTEOGENESIS IMPERFECTA TARDA; OSTEOGENESIS IMPERFECTA WITH BLUE SCLERAE. Identifiers: Orphanet 216796, Orphanet 666, MedGen C0023931, MONDO:0008146, OMIM 166200. Disease mechanism: loss of function.

Submission:

Labcorp Genetics (formerly Invitae), Labcorp
Classification: Pathogenic for Osteogenesis imperfecta type I. Last evaluated: 2018-12-11. Review status: criteria provided, single submitter. Criteria: Invitae Variant Classification Sherloc (09022015). Collection method: clinical testing. Allele origin: germline.
Comment: Algorithms developed to predict the effect of sequence changes on RNA splicing suggest that this variant may create or strengthen a splice site, but this prediction has not been confirmed by published transcriptional studies. This variant has been observed to segregate with COL1A1-related disease in a family (Invitae). This variant is not present in population databases (ExAC no frequency). This sequence change replaces glycine with arginine at codon 1163 of the COL1A1 protein (p.Gly1163Arg). The glycine residue is highly conserved and there is a moderate physicochemical difference between glycine and arginine. Glycine residues within the Gly-Xaa-Yaa repeats of the triple helix domain are required for the structure and stability of fibrillar collagens (PMID: 7695699, 8218237, 19344236). In COL1A1, missense variants at these glycine residues are significantly enriched in individuals with disease (PMID: 9016532, 17078022) compared to the general population (ExAC). For these reasons, this variant has been classified as Pathogenic.

Literature cited by the submitters: PubMed 7695699; PubMed 8218237; PubMed 19344236; PubMed 9016532; PubMed 17078022.